The following is an entry in ClinVar:

ClinVar aggregate classification (germline): Pathogenic/Likely pathogenic. Review status: criteria provided, multiple submitters, no conflicts (2 of 4 stars). 5 submissions from 5 submitters: Pathogenic (3); Likely pathogenic (1). 1 of the submissions does not count toward it. Last evaluated 2024-11-01.

Conditions:
Intellectual developmental disorder, autosomal dominant 55, with seizures. Also called: MENTAL RETARDATION, AUTOSOMAL DOMINANT 55, WITH SEIZURES; Intellectual disability, autosomal dominant 55, with seizures. Identifiers: MedGen C4693371, MONDO:0030921, OMIM 617831.
Congenital disorder of glycosylation, type Iaa. Also called: Congenital disorder of glycosylation, type 1aa. Identifiers: MedGen C4310727, MONDO:0014904, OMIM 617082.
Hereditary ataxia. Also called: Hereditary Ataxias. Identifiers: Orphanet 183518, MedGen C0004138, MONDO:0100309, MONDO:0000557.

Submissions (5):

CeGaT Center for Human Genetics Tuebingen
Classification: Likely pathogenic. Last evaluated: 2024-11-01. Review status: criteria provided, single submitter. Criteria: CeGaT Center For Human Genetics Tuebingen Variant Classification Criteria Version 2. Collection method: clinical testing. Allele origin: germline. Affected: yes. Observed: 1 variant allele.
Comment: NUS1: PVS1:Strong, PM2, PS2:Supporting, PS4:Supporting

Labcorp Genetics (formerly Invitae), Labcorp
Classification: Pathogenic for Congenital disorder of glycosylation, type Iaa. Last evaluated: 2024-08-08. Review status: criteria provided, single submitter. Criteria: Invitae Variant Classification Sherloc (09022015). Collection method: clinical testing. Allele origin: germline.
Comment: This sequence change affects a donor splice site in intron 1 of the NUS1 gene. It is expected to disrupt RNA splicing. Variants that disrupt the donor or acceptor splice site typically lead to a loss of protein function (PMID: 16199547), and loss-of-function variants in NUS1 are known to be pathogenic (PMID: 29100083). This variant is not present in population databases (gnomAD no frequency). Disruption of this splice site has been observed in individual(s) with clinical features of early infantile epileptic encephalopathy (PMID: 33731878). In at least one individual the variant was observed to be de novo. ClinVar contains an entry for this variant (Variation ID: 981036). Algorithms developed to predict the effect of sequence changes on RNA splicing suggest that this variant may disrupt the consensus splice site. For these reasons, this variant has been classified as Pathogenic.

AURAGEN, Plan France Médecine Génomique
Classification: Pathogenic for Hereditary ataxia. Last evaluated: 2022-03-11. Review status: criteria provided, single submitter. Criteria: PFMG2025 (Lancet Reg Health Eur. 2025). Collection method: clinical testing. Allele origin: germline. Affected: yes.

Greenwood Genetic Center Diagnostic Laboratories, Greenwood Genetic Center
Classification: Pathogenic. Last evaluated: 2020-09-11. Review status: criteria provided, single submitter. Criteria: ACMG Guidelines, 2015. Collection method: clinical testing. Allele origin: germline. Affected: yes.

OMIM
Classification: Pathogenic for INTELLECTUAL DEVELOPMENTAL DISORDER, AUTOSOMAL DOMINANT 55, WITH SEIZURES. Last evaluated: 2021-10-20. Review status: no assertion criteria provided. Collection method: literature only. Allele origin: germline. Not counted in ClinVar's aggregate classification.

Literature cited by the submitters: PubMed 16199547 (cited by Labcorp Genetics (formerly Invitae), Labcorp); PubMed 29100083 (cited by Labcorp Genetics (formerly Invitae), Labcorp); PubMed 33731878 (cited by Labcorp Genetics (formerly Invitae), Labcorp); Yu, S.-H., Wang, T., Wiggins, K., Louie, R. J., Merino, E. F., Skinner, C., Cassera, M. B., Meagher, K. M., Goldberg, P., Rismanchi, N., Chen, D., Lyons, M. J., Flanagan-Street, H., Street, R. Lysosomal cholesterol accumulation contributes to the movement phenotypes associated with NUS1 haploinsufficiency. Genet. Med. 23: 1305-1314, 2021. (cited by OMIM).

NM_138459.5(NUS1):c.415+1G>A

Gene: NUS1 (NUS1 dehydrodolichyl diphosphate synthase subunit; plus strand). Cytogenetic location: 6q22.1.
Variant type: single nucleotide variant.
Coding change: c.415+1G>A on transcript NM_138459.5 (MANE Select); the canonical splice donor site of the intron after coding-DNA position 415, G replaced by A.
Molecular consequence: splice donor variant.
Genome position (GRCh38, 1-based): chr6:117,676,086, G>A. VCF-style: chr6-117676086-G-A. GRCh37 (hg19) VCF-style: chr6-117997249-G-A.
Identifiers: ClinVar variation 981036 (VCV000981036.23), dbSNP rs1772975334, ClinGen allele CA365536583.